The following is an entry in ClinVar:

NM_000081.4(LYST):c.106G>T (p.Glu36Ter)

Gene: LYST (lysosomal trafficking regulator; minus strand). Cytogenetic location: 1q42.3.
Variant type: single nucleotide variant.
Coding change: c.106G>T on transcript NM_000081.4 (MANE Select); coding-DNA position 106, G replaced by T.
Protein change: p.Glu36Ter; replaces glutamic acid 36 with a stop codon.
Molecular consequence: nonsense. On other transcripts: non-coding transcript variant (1).
Genome position (GRCh38, 1-based): chr1:235,830,312, C>A on the plus strand (G>T on the coding strand, the complement: LYST is on the minus strand). VCF-style: chr1-235830312-C-A. GRCh37 (hg19) VCF-style: chr1-235993612-C-A.
Other names: c.106G>T, p.Glu36Ter (NM_001301365.1); short protein forms E36*.
Identifiers: ClinVar variation 2814456 (VCV002814456.3), dbSNP rs2527301436, ClinGen allele CA344969042.

ClinVar aggregate classification (germline): Pathogenic (1 of 4 stars; one submission).

Conditions:
Chédiak-Higashi syndrome (CHS). Also called: Chediak-Higashi Syndrome. Identifiers: Orphanet 167, MedGen C0007965, MONDO:0008963, OMIM 214500.

Submission:

Labcorp Genetics (formerly Invitae), Labcorp
Classification: Pathogenic for Chédiak-Higashi syndrome. Last evaluated: 2024-01-08. Review status: criteria provided, single submitter. Criteria: Invitae Variant Classification Sherloc (09022015). Collection method: clinical testing. Allele origin: germline.
Comment: This sequence change creates a premature translational stop signal (p.Glu36*) in the LYST gene. It is expected to result in an absent or disrupted protein product. Loss-of-function variants in LYST are known to be pathogenic (PMID: 9215679, 11857544). This variant is not present in population databases (gnomAD no frequency). This variant has not been reported in the literature in individuals affected with LYST-related conditions. For these reasons, this variant has been classified as Pathogenic.

Literature cited by the submitters: PubMed 9215679; PubMed 11857544.